The following is an entry in ClinVar:

NM_198525.3(KIF7):c.3254T>C (p.Met1085Thr)

Gene: KIF7 (kinesin family member 7; minus strand). Cytogenetic location: 15q26.1.
Variant type: single nucleotide variant.
Coding change: c.3254T>C on transcript NM_198525.3 (MANE Select); coding-DNA position 3254, T replaced by C.
Protein change: p.Met1085Thr; replaces methionine 1085 with threonine.
Molecular consequence: missense variant.
Genome position (GRCh38, 1-based): chr15:89,630,351, A>G on the plus strand (T>C on the coding strand, the complement: KIF7 is on the minus strand). VCF-style: chr15-89630351-A-G. GRCh37 (hg19) VCF-style: chr15-90173582-A-G.
Other names: short protein forms M1085T.
Identifiers: ClinVar variation 3360245 (VCV003360245.1).

ClinVar aggregate classification (germline): Uncertain significance (1 of 4 stars; one submission).

Submission:

GeneDx
Classification: Uncertain significance. Last evaluated: 2023-06-23. Review status: criteria provided, single submitter. Criteria: GeneDx Variant Classification Process June 2021. Collection method: clinical testing. Allele origin: germline. Affected: yes.
Comment: Not observed at significant frequency in large population cohorts (gnomAD); In silico analysis supports that this missense variant has a deleterious effect on protein structure/function; Has not been previously published as pathogenic or benign to our knowledge